The following is an entry in ClinVar:

ClinVar aggregate classification (germline): Uncertain significance. Review status: criteria provided, multiple submitters, no conflicts (2 of 4 stars). 2 submissions from 2 submitters: Uncertain significance (2). Last evaluated 2023-08-17.

Allele frequency attached by ClinVar (database versions not stated): TOPMed 0.00002; ExAC 0.00003; gnomAD 0.00003.
gnomAD v4.1: 39 of 1,613,006 alleles (0.0024%); highest among the groups gnomAD compares: Non-Finnish European, 0.0033%; no homozygotes.

Submissions (2):

Blueprint Genetics
Classification: Uncertain significance. Last evaluated: 2023-08-17. Review status: criteria provided, single submitter. Criteria: ACMG Guidelines, 2015. Collection method: clinical testing. Allele origin: germline.

Labcorp Genetics (formerly Invitae), Labcorp
Classification: Uncertain significance. Last evaluated: 2022-08-06. Review status: criteria provided, single submitter. Criteria: Invitae Variant Classification Sherloc (09022015). Collection method: clinical testing. Allele origin: germline.
Comment: This sequence change replaces glutamic acid, which is acidic and polar, with lysine, which is basic and polar, at codon 404 of the USH2A protein (p.Glu404Lys). This variant is present in population databases (rs757556792, gnomAD 0.004%). This variant has not been reported in the literature in individuals affected with USH2A-related conditions. Algorithms developed to predict the effect of missense changes on protein structure and function output the following: SIFT: "Tolerated"; PolyPhen-2: "Benign"; Align-GVGD: "Class C0". The lysine amino acid residue is found in multiple mammalian species, which suggests that this missense change does not adversely affect protein function. In summary, the available evidence is currently insufficient to determine the role of this variant in disease. Therefore, it has been classified as a Variant of Uncertain Significance.

NM_206933.4(USH2A):c.1210G>A (p.Glu404Lys)

Gene: USH2A (usherin; minus strand). Cytogenetic location: 1q41.
Variant type: single nucleotide variant.
Coding change: c.1210G>A on transcript NM_206933.4 (MANE Select); coding-DNA position 1210, G replaced by A.
Protein change: p.Glu404Lys; replaces glutamic acid 404 with lysine.
Molecular consequence: missense variant.
Genome position (GRCh38, 1-based): chr1:216,324,286, C>T on the plus strand (G>A on the coding strand, the complement: USH2A is on the minus strand). VCF-style: chr1-216324286-C-T. GRCh37 (hg19) VCF-style: chr1-216497628-C-T.
Other names: c.1210G>A, p.Glu404Lys (NM_007123.6); short protein forms E404K.
Identifiers: ClinVar variation 2144568 (VCV002144568.2), dbSNP rs757556792, ClinGen allele CA1396571.